The following is an entry in ClinVar:

NM_006206.6(PDGFRA):c.932-10C>G

Gene: PDGFRA (platelet derived growth factor receptor alpha; plus strand). Cytogenetic location: 4q12.
Variant type: single nucleotide variant.
Coding change: c.932-10C>G on transcript NM_006206.6 (MANE Select); 10 bases into the intron before coding-DNA position 932, C replaced by G.
Molecular consequence: intron variant.
Genome position (GRCh38, 1-based): chr4:54,267,542, C>G. VCF-style: chr4-54267542-C-G. GRCh37 (hg19) VCF-style: chr4-55133709-C-G.
Other names: c.1007-10C>G (NM_001347828.2); c.932-10C>G (NM_001347827.2, NM_001347829.2); c.971-10C>G (NM_001347830.2).
Identifiers: ClinVar variation 2750927 (VCV002750927.3), dbSNP rs1553903309, ClinGen allele CA2697546721.

ClinVar aggregate classification (germline): Uncertain significance (1 of 4 stars; one submission).

Conditions:
Gastrointestinal stromal tumor. Also called: Gastrointestinal stromal tumor, somatic; Gastrointestinal stroma tumor. Identifiers: Orphanet 44890, MedGen C0238198, MeSH D046152, MONDO:0011719, OMIM 606764, HP:0100723.

Submission:

Labcorp Genetics (formerly Invitae), Labcorp
Classification: Uncertain significance for Gastrointestinal stromal tumor. Last evaluated: 2023-08-07. Review status: criteria provided, single submitter. Criteria: Invitae Variant Classification Sherloc (09022015). Collection method: clinical testing. Allele origin: germline.
Comment: This sequence change falls in intron 6 of the PDGFRA gene. It does not directly change the encoded amino acid sequence of the PDGFRA protein. This variant is not present in population databases (gnomAD no frequency). This variant has not been reported in the literature in individuals affected with PDGFRA-related conditions. Algorithms developed to predict the effect of sequence changes on RNA splicing suggest that this variant may disrupt the consensus splice site. In summary, the available evidence is currently insufficient to determine the role of this variant in disease. Therefore, it has been classified as a Variant of Uncertain Significance.